The following is an entry in ClinVar:

ClinVar aggregate classification (germline): Uncertain significance (1 of 4 stars; one submission).

Conditions:
Dilated cardiomyopathy 1DD (CMD1DD). Identifiers: Orphanet 154, MedGen C2750995, MONDO:0013168, OMIM 613172.

Submission:

Labcorp Genetics (formerly Invitae), Labcorp
Classification: Uncertain significance for Dilated cardiomyopathy 1DD. Last evaluated: 2024-09-27. Review status: criteria provided, single submitter. Criteria: Invitae Variant Classification Sherloc (09022015). Collection method: clinical testing. Allele origin: germline.
Comment: This sequence change results in a frameshift in the RBM20 gene (p.Lys1226Serfs*22). While this is not anticipated to result in nonsense mediated decay, it is expected to disrupt the last 2 amino acid(s) of the RBM20 protein and extend the protein by 19 additional amino acid residues. This variant is not present in population databases (gnomAD no frequency). This variant has not been reported in the literature in individuals affected with RBM20-related conditions. Experimental studies and prediction algorithms are not available or were not evaluated, and the functional significance of this variant is currently unknown. In summary, the available evidence is currently insufficient to determine the role of this variant in disease. Therefore, it has been classified as a Variant of Uncertain Significance.

NM_001134363.3(RBM20):c.3677del (p.Lys1226fs)

Gene: RBM20 (RNA binding motif protein 20; plus strand). Cytogenetic location: 10q25.2.
Variant type: Deletion.
Coding change: c.3677del on transcript NM_001134363.3 (MANE Select); coding-DNA position 3677, one base deleted (A; older notation c.3677delA).
Protein change: p.Lys1226fs; shifts the reading frame from lysine 1226.
Molecular consequence: frameshift variant.
Genome position (GRCh38, 1-based): chr10:110,835,971, A deleted; the last of 5 consecutive A bases (chr10:110,835,967-110,835,971); deleting any one gives the same sequence. VCF-style (leftmost placement, unchanged base first): chr10-110835966-GA-G. GRCh37 (hg19) VCF-style: chr10-112595724-GA-G.
Other names: short protein forms K1226fs.
Identifiers: ClinVar variation 3721679 (VCV003721679.2).
Genomic context (GRCh38, chr10:110,835,966, plus strand): 5'-GACCGAGGGGGCAGATAGCCCGAGGCCAGAGGACAGCGGAATCGTGCCACGCTTCGAAAG[GA>G]AAAAGCTCTGATGCTTCTGCTTCTGCTGCTACTGCTGCTGCTGCAAGGTTGGAAAGGAGA-3'